The following is an entry in ClinVar:

NM_001606.5(ABCA2):c.4069G>A (p.Ala1357Thr)

Gene: ABCA2 (ATP binding cassette subfamily A member 2; minus strand). Cytogenetic location: 9q34.3.
Variant type: single nucleotide variant.
Coding change: c.4069G>A on transcript NM_001606.5 (MANE Select); coding-DNA position 4069, G replaced by A.
Protein change: p.Ala1357Thr; replaces alanine 1357 with threonine.
Molecular consequence: missense variant.
Genome position (GRCh38, 1-based): chr9:137,014,339, C>T on the plus strand (G>A on the coding strand, the complement: ABCA2 is on the minus strand). VCF-style: chr9-137014339-C-T. GRCh37 (hg19) VCF-style: chr9-139908791-C-T.
Other names: c.4066G>A, p.Ala1356Thr (NM_001411042.1); c.4159G>A, p.Ala1387Thr (NM_212533.3); short protein forms A1356T, A1357T, A1387T.
Identifiers: ClinVar variation 2629270 (VCV002629270.2), dbSNP rs764315344, ClinGen allele CA5354528.

ClinVar aggregate classification (germline): Uncertain significance. Review status: criteria provided, multiple submitters, no conflicts (2 of 4 stars). 2 submissions from 2 submitters: Uncertain significance (2). Last evaluated 2024-01-09.

Conditions:
ABCA2-related disorder. Also called: ABCA2-related condition.

Allele frequency attached by ClinVar (database versions not stated): TOPMed below 0.00001; ExAC 0.00006.

Submissions (2):

Ambry Genetics
Classification: Uncertain significance. Last evaluated: 2024-01-09. Review status: criteria provided, single submitter. Criteria: Ambry Variant Classification Scheme 2023. Collection method: clinical testing. Allele origin: germline.

PreventionGenetics, part of Exact Sciences
Classification: Uncertain significance for ABCA2-related condition. Last evaluated: 2023-02-21. Review status: criteria provided, single submitter. Criteria: ACMG Guidelines, 2015. Collection method: clinical testing. Allele origin: germline.
Comment: The ABCA2 c.4159G>A variant is predicted to result in the amino acid substitution p.Ala1387Thr. To our knowledge, this variant has not been reported in the literature. This variant is reported in 0.011% of alleles in individuals of East Asian descent in gnomAD. At this time, the clinical significance of this variant is uncertain due to the absence of conclusive functional and genetic evidence.